The following is an entry in ClinVar:

NM_000245.4(MET):c.2739A>C (p.Gln913His)

Gene: MET (MET proto-oncogene, receptor tyrosine kinase; plus strand). Cytogenetic location: 7q31.2.
Variant type: single nucleotide variant.
Coding change: c.2739A>C on transcript NM_000245.4 (MANE Select); coding-DNA position 2739, A replaced by C.
Protein change: p.Gln913His; replaces glutamine 913 with histidine.
Molecular consequence: missense variant.
Genome position (GRCh38, 1-based): chr7:116,771,506, A>C. VCF-style: chr7-116771506-A-C. GRCh37 (hg19) VCF-style: chr7-116411560-A-C.
Other names: c.2793A>C, p.Gln931His (NM_001127500.3); c.1449A>C, p.Gln483His (NM_001324402.2); short protein forms Q483H, Q913H, Q931H.
Identifiers: ClinVar variation 2612827 (VCV002612827.6), dbSNP rs1311983597, ClinGen allele CA368986234.
Genomic context (GRCh38, chr7:116,771,506, plus strand): 5'-ACAAATATCTATCATGGCTAAATGCTGACTTTTCTTTATTTGTCATTTTTAGTGGAAGCA[A>C]GCAATTTCTTCAACCGTCCTTGGAAAAGTAATAGTTCAACCAGATCAGAATTTCACAGGA-3'
Protein context (NP_000236.2, residues 903-923): LNSELNIEWK[Gln913His]AISSTVLGKV

ClinVar aggregate classification (germline): Uncertain significance. Review status: criteria provided, multiple submitters, no conflicts (2 of 4 stars). 2 submissions from 2 submitters: Uncertain significance (2). Last evaluated 2025-07-28.

Conditions:
Renal cell carcinoma. Identifiers: Orphanet 217071, MedGen C0007134, MeSH D002292, MONDO:0005086, HP:0005584.
Hereditary cancer-predisposing syndrome. Also called: Tumor predisposition; Hereditary Cancer Syndrome; Hereditary neoplastic syndrome; Neoplastic Syndromes, Hereditary. Identifiers: Orphanet 140162, MedGen C0027672, MeSH D009386, MONDO:0015356.

Allele frequency attached by ClinVar (database versions not stated): gnomAD exomes below 0.00001.
gnomAD v4.1: 2 of 1,613,744 alleles (0.00012%); highest among the groups gnomAD compares: Admixed American, 0.0033%; no homozygotes.

Submissions (2):

Ambry Genetics
Classification: Uncertain significance for Hereditary cancer-predisposing syndrome. Last evaluated: 2025-07-28. Review status: criteria provided, single submitter. Criteria: Ambry Variant Classification Scheme 2023. Collection method: clinical testing. Allele origin: germline.
Comment: The p.Q931H variant (also known as c.2793A>C), located in coding exon 12 of the MET gene, results from an A to C substitution at nucleotide position 2793. The glutamine at codon 931 is replaced by histidine, an amino acid with highly similar properties. This amino acid position is highly conserved in available vertebrate species. In addition, the in silico prediction for this alteration is inconclusive. Since supporting evidence is limited at this time, the clinical significance of this alteration remains unclear.

Labcorp Genetics (formerly Invitae), Labcorp
Classification: Uncertain significance for Renal cell carcinoma. Last evaluated: 2025-02-05. Review status: criteria provided, single submitter. Criteria: Invitae Variant Classification Sherloc (09022015). Collection method: clinical testing. Allele origin: germline.
Comment: This sequence change replaces glutamine, which is neutral and polar, with histidine, which is basic and polar, at codon 931 of the MET protein (p.Gln931His). This variant is present in population databases (no rsID available, gnomAD 0.006%). This variant has not been reported in the literature in individuals affected with MET-related conditions. ClinVar contains an entry for this variant (Variation ID: 2612827). An algorithm developed to predict the effect of missense changes on protein structure and function (PolyPhen-2) suggests that this variant is likely to be disruptive. In summary, the available evidence is currently insufficient to determine the role of this variant in disease. Therefore, it has been classified as a Variant of Uncertain Significance.